The following is an entry in ClinVar:

NM_000540.3(RYR1):c.9242T>C (p.Met3081Thr)

Gene: RYR1 (ryanodine receptor 1; plus strand). Cytogenetic location: 19q13.2.
Variant type: single nucleotide variant.
Coding change: c.9242T>C on transcript NM_000540.3 (MANE Select); coding-DNA position 9242, T replaced by C.
Protein change: p.Met3081Thr; replaces methionine 3081 with threonine.
Molecular consequence: missense variant.
Genome position (GRCh38, 1-based): chr19:38,512,253, T>C. VCF-style: chr19-38512253-T-C. GRCh37 (hg19) VCF-style: chr19-39002893-T-C.
Other names: c.9242T>C, p.Met3081Thr (NM_001042723.2); short protein forms M3081T.
Identifiers: ClinVar variation 41910 (VCV000041910.62), dbSNP rs147012990, ClinGen allele CA024970.

ClinVar aggregate classification (germline): Conflicting classifications of pathogenicity. Review status: criteria provided, conflicting classifications (1 of 4 stars). 11 submissions from 10 submitters: Uncertain significance (4); Likely benign (7). Last evaluated 2026-02-01.

Conditions:
RYR1-related disorder. Also called: RYR1-related condition; RYR1-related disorders. Identifiers: MedGen CN239331.
Malignant hyperthermia, susceptibility to, 1 (MHS1). Also called: RYR1-Related Malignant Hyperthermia Susceptibility; Malignant hyperthermia suceptibility 1; Anesthesia related hyperthermia; Malignant hyperpyrexia; Fulminating hyperpyrexia; Pharmacogenic myopathy. Identifiers: Orphanet 423, MedGen C2930980, MONDO:0007783, OMIM 145600.
Congenital multicore myopathy with external ophthalmoplegia (CMYO1B). Also called: MULTICORE MYOPATHY; Minicore myopathy with external ophthalmoplegia; Congenital myopathy 1B, autosomal recessive; Minicore myopathy; MULTIMINICORE DISEASE WITH EXTERNAL OPHTHALMOPLEGIA. Identifiers: Orphanet 598, Orphanet 98905, MedGen C1850674, MONDO:0009712, OMIM 255320, HP:0003789.

Allele frequency attached by ClinVar (database versions not stated): gnomAD exomes 0.00058 and 0.00019; TOPMed 0.00221; gnomAD 0.00194 and 0.00207; ESP Exome Variant Server 0.00208; 1000 Genomes Project 0.00300; ExAC 0.00066; 1000 Genomes Project 30x 0.00297.
gnomAD v4.1: 592 of 1,614,246 alleles (0.037%); highest among the groups gnomAD compares: African/African-American, 0.66%; 4 homozygotes.

Submissions (11):

CeGaT Center for Human Genetics Tuebingen
Classification: Likely benign. Last evaluated: 2026-02-01. Review status: criteria provided, single submitter. Criteria: CeGaT Center For Human Genetics Tuebingen Variant Classification Criteria Version 2. Collection method: clinical testing. Allele origin: germline. Affected: yes. Observed: 1 variant allele.
Comment: RYR1: PP3, BS1

Labcorp Genetics (formerly Invitae), Labcorp
Classification: Likely benign for RYR1-related disorder. Last evaluated: 2026-01-28. Review status: criteria provided, single submitter. Criteria: Invitae Variant Classification Sherloc (09022015). Collection method: clinical testing. Allele origin: germline.

GeneDx
Classification: Uncertain significance. Last evaluated: 2025-10-24. Review status: criteria provided, single submitter. Criteria: GeneDx Variant Classification Process June 2021. Collection method: clinical testing. Allele origin: germline. Affected: yes.
Comment: Reported in two patients with congenital myopathies with central nuclei who also harbored other variants in the RYR1 gene (PMID: 20839240); In silico analysis supports that this missense variant has a deleterious effect on protein structure/function; This variant is associated with the following publications: (PMID: 27153395, 20839240, 24195946, 27855725, 12668474)

Blueprint Genetics
Classification: Uncertain significance. Last evaluated: 2024-11-05. Review status: criteria provided, single submitter. Criteria: ACMG Guidelines, 2015. Collection method: clinical testing. Allele origin: germline.

All of Us Research Program, National Institutes of Health
Classification: Likely benign for Malignant hyperthermia, susceptibility to, 1. Last evaluated: 2024-09-23. Review status: criteria provided, single submitter. Criteria: ACMG Guidelines, 2015. Collection method: clinical testing. Allele origin: germline. Inheritance: Autosomal dominant inheritance. Observed: 193 variant alleles, 193 heterozygotes.
Comment: This study involves interpretation of variants in research participants for the purpose of population health screening. Participant phenotype was not available at the time of variant classification. Additional details can be found in publication PMID: 35346344, PMCID: PMC8962531

Color Diagnostics, LLC DBA Color Health
Classification: Likely benign for Malignant hyperthermia, susceptibility to, 1. Last evaluated: 2022-08-18. Review status: criteria provided, single submitter. Criteria: ACMG Guidelines, 2015. Collection method: clinical testing. Allele origin: germline.

Illumina Laboratory Services, Illumina
Classification: Likely benign for Malignant hyperthermia, susceptibility to, 1. Last evaluated: 2018-06-08. Review status: criteria provided, single submitter. Criteria: ICSL Variant Classification Criteria 13 December 2019. Collection method: clinical testing. Allele origin: germline.
Comment: This variant was observed as part of a predisposition screen in an ostensibly healthy population. A literature search was performed for the gene, cDNA change, and amino acid change (where applicable). Publications were found based on this search. The evidence from the literature, in combination with allele frequency data from public databases where available, was sufficient to determine this variant is unlikely to cause disease. Therefore, this variant is classified as likely benign.

Illumina Laboratory Services, Illumina
Classification: Likely benign for Congenital multicore myopathy with external ophthalmoplegia. Last evaluated: 2018-06-08. Review status: criteria provided, single submitter. Criteria: ICSL Variant Classification Criteria 13 December 2019. Collection method: clinical testing. Allele origin: germline.
Comment: This variant was observed as part of a predisposition screen in an ostensibly healthy population. A literature search was performed for the gene, cDNA change, and amino acid change (where applicable). No publications were found based on this search. Allele frequency data from public databases allowed determination this variant is unlikely to cause disease. Therefore, this variant is classified as likely benign.

Eurofins Ntd Llc (ga)
Classification: Uncertain significance. Last evaluated: 2015-12-23. Review status: criteria provided, single submitter. Criteria: EGL Classification Definitions 2015. Collection method: clinical testing. Allele origin: germline. Observed: 3 variant alleles, 3 heterozygotes.

Biesecker Lab/Clinical Genomics Section, National Institutes of Health
Classification: Uncertain significance for Malignant hyperthermia, susceptibility to, 1. Last evaluated: 2013-07-01. Review status: criteria provided, single submitter. Criteria: Gonsalves et al. 2013. Collection method: research. Allele origin: unknown. Observed: 3 variant alleles. Study: ClinSeq.
Comment: The study set was not selected for affection status in relation to any myopathy. Pathogenicity categories were based on literature curation. See Pubmed ID: 24195946 for details.

PreventionGenetics, part of Exact Sciences
Classification: Likely benign. Review status: criteria provided, single submitter. Criteria: ACMG Guidelines, 2015. Collection method: clinical testing. Allele origin: germline.

Literature cited by the submitters: PubMed 24195946 (cited by Illumina Laboratory Services, Illumina).